The following is an entry in ClinVar:

NM_000540.3(RYR1):c.14552T>C (p.Leu4851Pro)

Gene: RYR1 (ryanodine receptor 1; plus strand). Cytogenetic location: 19q13.2.
Variant type: single nucleotide variant.
Coding change: c.14552T>C on transcript NM_000540.3 (MANE Select); coding-DNA position 14552, T replaced by C.
Protein change: p.Leu4851Pro; replaces leucine 4851 with proline.
Molecular consequence: missense variant.
Genome position (GRCh38, 1-based): chr19:38,580,410, T>C. VCF-style: chr19-38580410-T-C. GRCh37 (hg19) VCF-style: chr19-39071050-T-C.
Other names: c.14537T>C, p.Leu4846Pro (NM_001042723.2); short protein forms L4851P, L4846P.
Identifiers: ClinVar variation 426450 (VCV000426450.2), dbSNP rs1085307631, ClinGen allele CA405687678.

ClinVar aggregate classification (germline): Pathogenic (1 of 4 stars; one submission).

Submission:

GeneDx
Classification: Pathogenic. Last evaluated: 2017-04-17. Review status: criteria provided, single submitter. Criteria: GeneDx Variant Classification (06012015). Collection method: clinical testing. Allele origin: germline. Affected: yes.
Comment: The L4851P variant in the RYR1 gene has not been reported previously as a pathogenic variant nor as a benign variant, to our knowledge. The L4851P variant is not observed in large population cohorts (Lek et al., 2016; 1000 Genomes Consortium et al., 2015; Exome Variant Server). The L4851P variant is a semi-conservative amino acid substitution, which may impact secondary protein structure as these residues differ in some properties. This substitution occurs at a position that is conserved across species. In silico analysis predicts this variant is probably damaging to the protein structure/function. Missense variants in nearby residues (A4846V, V4849I, Y4850C, T4853I, A4856G) have been reported in the Human Gene Mutation Database in association with RYR1-related disorders (Stenson et al., 2014), supporting the functional importance of this region of the protein. We interpret L4851P as a pathogenic variant.